The following is an entry in ClinVar:

NC_000023.10:g.(?_32481536)_(32663289_?)dup

Gene: DMD (dystrophin; minus strand). Cytogenetic location: Xp21.1.
Variant type: Duplication.
Identifiers: ClinVar variation 1512375 (VCV001512375.4).

ClinVar aggregate classification (germline): Uncertain significance (1 of 4 stars; one submission).

Conditions:
Duchenne muscular dystrophy (DMD). Also called: Duchenne Muscular Dystrophy (DMD); MUSCULAR DYSTROPHY, PSEUDOHYPERTROPHIC PROGRESSIVE, DUCHENNE TYPE. Identifiers: Orphanet 98896, MedGen C0013264, MONDO:0010679, OMIM 310200.

Submission:

Labcorp Genetics (formerly Invitae), Labcorp
Classification: Uncertain significance for Duchenne muscular dystrophy. Last evaluated: 2021-05-05. Review status: criteria provided, single submitter. Criteria: Invitae Variant Classification Sherloc (09022015). Collection method: clinical testing. Allele origin: germline.
Comment: This variant results in a copy number gain of the genomic region encompassing exon(s) 10-25 of the DMD gene. While the exact position of this variant cannot be determined from the data, sub-genic copy number gains are generally in tandem (PMID: 25640679). This variant is predicted to be in-frame, and likely preserves the integrity of the reading frame. This variant has not been reported in the literature in individuals with DMD-related conditions. In summary, the available evidence is currently insufficient to determine the role of this variant in disease. Therefore, it has been classified as a Variant of Uncertain Significance.

Literature cited by the submitters: PubMed 25640679.